The following is an entry in ClinVar:

NM_001025603.2(RFX5):c.1639G>A (p.Gly547Ser)

Gene: RFX5 (regulatory factor X5; minus strand). Cytogenetic location: 1q21.3.
Variant type: single nucleotide variant.
Coding change: c.1639G>A on transcript NM_001025603.2 (MANE Select); coding-DNA position 1639, G replaced by A.
Protein change: p.Gly547Ser; replaces glycine 547 with serine.
Molecular consequence: missense variant.
Genome position (GRCh38, 1-based): chr1:151,342,398, C>T on the plus strand (G>A on the coding strand, the complement: RFX5 is on the minus strand). VCF-style: chr1-151342398-C-T. GRCh37 (hg19) VCF-style: chr1-151314874-C-T.
Other names: c.1639G>A, p.Gly547Ser (NM_000449.4, NM_001379412.1, NM_001379413.1 and 5 more transcripts); c.1519G>A, p.Gly507Ser (NM_001379419.1, NM_001379420.1); short protein forms G547S, G507S.
Identifiers: ClinVar variation 577099 (VCV000577099.9), dbSNP rs147579805, ClinGen allele CA1089565.

ClinVar aggregate classification (germline): Conflicting classifications of pathogenicity. Review status: criteria provided, conflicting classifications (1 of 4 stars). 3 submissions from 3 submitters: Uncertain significance (2); Likely benign (1). Last evaluated 2024-12-23.

Conditions:
MHC class II deficiency. Also called: BLS, TYPE II; Bare lymphocyte syndrome 2. Identifiers: Orphanet 572, MedGen C5447452, MONDO:0008855.

Allele frequency attached by ClinVar (database versions not stated): gnomAD 0.00006 and 0.00007; gnomAD exomes 0.00008 and 0.00014; TOPMed 0.00009; ExAC 0.00010; ESP Exome Variant Server 0.00015.

Submissions (3):

Labcorp Genetics (formerly Invitae), Labcorp
Classification: Uncertain significance for MHC class II deficiency. Last evaluated: 2024-12-23. Review status: criteria provided, single submitter. Criteria: Invitae Variant Classification Sherloc (09022015). Collection method: clinical testing. Allele origin: germline.
Comment: This sequence change replaces glycine, which is neutral and non-polar, with serine, which is neutral and polar, at codon 547 of the RFX5 protein (p.Gly547Ser). This variant is present in population databases (rs147579805, gnomAD 0.01%). This variant has not been reported in the literature in individuals affected with RFX5-related conditions. ClinVar contains an entry for this variant (Variation ID: 577099). An algorithm developed to predict the effect of missense changes on protein structure and function outputs the following: PolyPhen-2: "Benign". The serine amino acid residue is found in multiple mammalian species, which suggests that this missense change does not adversely affect protein function. In summary, the available evidence is currently insufficient to determine the role of this variant in disease. Therefore, it has been classified as a Variant of Uncertain Significance.

Blueprint Genetics
Classification: Uncertain significance. Last evaluated: 2024-02-02. Review status: criteria provided, single submitter. Criteria: ACMG Guidelines, 2015. Collection method: clinical testing. Allele origin: germline.

Ambry Genetics
Classification: Likely benign. Last evaluated: 2023-04-24. Review status: criteria provided, single submitter. Criteria: Ambry Variant Classification Scheme 2023. Collection method: clinical testing. Allele origin: germline.